The following is an entry in ClinVar:

ClinVar aggregate classification (germline): Uncertain significance (1 of 4 stars; one submission).

Conditions:
Familial focal epilepsy with variable foci (FPEVF). Identifiers: Orphanet 98820, MedGen C1858477, MONDO:0020310.

Submission:

Labcorp Genetics (formerly Invitae), Labcorp
Classification: Uncertain significance for Familial focal epilepsy with variable foci. Last evaluated: 2025-04-24. Review status: criteria provided, single submitter. Criteria: Invitae Variant Classification Sherloc (09022015). Collection method: clinical testing. Allele origin: germline.
Comment: This sequence change affects codon 137 of the DEPDC5 mRNA. It is a 'silent' change, meaning that it does not change the encoded amino acid sequence of the DEPDC5 protein. This variant is not present in population databases (gnomAD no frequency). This variant has not been reported in the literature in individuals affected with DEPDC5-related conditions. ClinVar contains an entry for this variant (Variation ID: 2859605). Algorithms developed to predict the effect of sequence changes on RNA splicing suggest that this variant may disrupt the consensus splice site. In summary, the available evidence is currently insufficient to determine the role of this variant in disease. Therefore, it has been classified as a Variant of Uncertain Significance.

NM_001242896.3(DEPDC5):c.411C>T (p.Ile137=)

Gene: DEPDC5 (DEP domain containing 5, GATOR1 subcomplex subunit; plus strand). Cytogenetic location: 22q12.2.
Variant type: single nucleotide variant.
Coding change: c.411C>T on transcript NM_001242896.3 (MANE Select); coding-DNA position 411, C replaced by T.
Protein change: p.Ile137=; no amino-acid change (isoleucine 137 retained).
Molecular consequence: synonymous variant. On other transcripts: non-coding transcript variant (5).
Genome position (GRCh38, 1-based): chr22:31,768,861, C>T. VCF-style: chr22-31768861-C-T. GRCh37 (hg19) VCF-style: chr22-32164847-C-T.
Other names: c.411C>T, p.Ile137= (NM_001007188.4, NM_001136029.4, NM_001242897.2 and 7 more transcripts); c.327C>T, p.Ile109= (NM_001369901.1, NM_001369902.1).
Identifiers: ClinVar variation 2859605 (VCV002859605.3), dbSNP rs2518001469, ClinGen allele CA514262946.
Genomic context (GRCh38, chr22:31,768,861, plus strand): 5'-CCCCTCCTCTTAGGTCAGCACATGTGCCTATATCACCCAGAAGGTGGAGTTTGCTGGCAT[C>T]AGGTAGATATTACATCACTCTTGCCTTATCTGTGCAGTAACTGGGCTACATAAAGCAGTG-3'
Protein context (NP_001229825.1, residues 127-147): YITQKVEFAG[Ile137=]RAQAGELWVK